The following is an entry in ClinVar:

NM_013432.5(TONSL):c.2578A>T (p.Ser860Cys)

Genes: TONSL (tonsoku like, DNA repair protein; minus strand), TONSL-AS1 (TONSL antisense RNA 1; plus strand). Cytogenetic location: 8q24.3.
Variant type: single nucleotide variant.
Coding change: c.2578A>T on transcript NM_013432.5 (MANE Select); coding-DNA position 2578, A replaced by T.
Protein change: p.Ser860Cys; replaces serine 860 with cysteine.
Molecular consequence: missense variant.
Genome position (GRCh38, 1-based): chr8:144,435,855, T>A on the plus strand (A>T on the coding strand, the complement: TONSL is on the minus strand). VCF-style: chr8-144435855-T-A. GRCh37 (hg19) VCF-style: chr8-145661238-T-A.
Other names: short protein forms S860C.
Identifiers: ClinVar variation 4744133 (VCV004744133.1).

ClinVar aggregate classification (germline): Uncertain significance (1 of 4 stars; one submission).

Submission:

Labcorp Genetics (formerly Invitae), Labcorp
Classification: Uncertain significance. Last evaluated: 2025-07-27. Review status: criteria provided, single submitter. Criteria: Invitae Variant Classification Sherloc (09022015). Collection method: clinical testing. Allele origin: germline.
Comment: This sequence change replaces serine, which is neutral and polar, with cysteine, which is neutral and slightly polar, at codon 860 of the TONSL protein (p.Ser860Cys). This variant is not present in population databases (gnomAD no frequency). This variant has not been reported in the literature in individuals affected with TONSL-related conditions. Invitae Evidence Modeling of protein sequence and biophysical properties (such as structural, functional, and spatial information, amino acid conservation, physicochemical variation, residue mobility, and thermodynamic stability) indicates that this missense variant is expected to disrupt TONSL protein function with a positive predictive value of 80%. In summary, the available evidence is currently insufficient to determine the role of this variant in disease. Therefore, it has been classified as a Variant of Uncertain Significance.